The following is an entry in ClinVar:

NM_024989.4(PGAP1):c.2286+5G>A

Gene: PGAP1 (post-GPI attachment to proteins inositol deacylase 1; minus strand). Cytogenetic location: 2q33.1.
Variant type: single nucleotide variant.
Coding change: c.2286+5G>A on transcript NM_024989.4 (MANE Select); 5 bases into the intron after coding-DNA position 2286, G replaced by A.
Molecular consequence: intron variant.
Genome position (GRCh38, 1-based): chr2:196,845,877, C>T on the plus strand (G>A on the coding strand, the complement: PGAP1 is on the minus strand). VCF-style: chr2-196845877-C-T. GRCh37 (hg19) VCF-style: chr2-197710601-C-T.
Other names: c.1119+5G>A (NM_001321100.2); c.1764+5G>A (NM_001321099.2).
Identifiers: ClinVar variation 489401 (VCV000489401.2), dbSNP rs937847069, ClinGen allele CA658683280.

ClinVar aggregate classification (germline): Uncertain significance (0 of 4 stars; one submission).

Conditions:
Intellectual disability, autosomal recessive 42 (NEDDSBA). Also called: Neurodevelopmental disorder with dysmorphic features, spasticity, and brain abnormalities; GLYCOSYLPHOSPHATIDYLINOSITOL BIOSYNTHESIS DEFECT 9. Identifiers: Orphanet 88616, MedGen C4014343, MONDO:0014348, OMIM 615802.

Submission:

Foundation for Research in Genetics and Endocrinology, FRIGE's Institute of Human Genetics
Classification: Uncertain significance for Intellectual disability, autosomal recessive 42. Last evaluated: 2017-02-14. Review status: no assertion criteria provided. Collection method: clinical testing, in vitro. Allele origin: germline, not applicable. Inheritance: Autosomal recessive inheritance. Affected: yes. Observed: 1 variant allele, 1 homozygote.
Comment: The observed variant c.2286+5G>A (5' splice site) is not reported in 1000 genome and ExAc database. The insilico prediction of the variant is disease-causing by MutationTaster2.